The following is an entry in ClinVar:

NM_000535.7(PMS2):c.914T>A (p.Leu305His)

Gene: PMS2 (PMS1 homolog 2, mismatch repair system component; minus strand). Cytogenetic location: 7p22.1.
Variant type: single nucleotide variant.
Coding change: c.914T>A on transcript NM_000535.7 (MANE Select); coding-DNA position 914, T replaced by A.
Protein change: p.Leu305His; replaces leucine 305 with histidine.
Molecular consequence: missense variant. On other transcripts: 5 prime UTR variant (2), non-coding transcript variant (1), intron variant (1).
Genome position (GRCh38, 1-based): chr7:5,992,047, A>T on the plus strand (T>A on the coding strand, the complement: PMS2 is on the minus strand). VCF-style: chr7-5992047-A-T. GRCh37 (hg19) VCF-style: chr7-6031678-A-T.
Other names: c.509T>A, p.Leu170His (NM_001018040.1, NM_001322003.2, NM_001322004.2 and 20 more transcripts); c.914T>A, p.Leu305His (NM_001322006.2, NM_001322014.2, NM_001406870.1 and 2 more transcripts); c.596T>A, p.Leu199His (NM_001322007.2, NM_001322008.2, NM_001406876.1 and 4 more transcripts); c.-20T>A (NM_001322011.2, NM_001322012.2); c.341T>A, p.Leu114His (NM_001322013.2, NM_001406909.1); c.605T>A, p.Leu202His (NM_001322015.2, NM_001406875.1, NM_001406877.1 and 6 more transcripts); c.1100T>A, p.Leu367His (NM_001406866.1); c.938T>A, p.Leu313His (NM_001406868.1); and 8 more; short protein forms L202H, L114H, L134H, L170H, L193H, L305H, L313H, L367H.
Identifiers: ClinVar variation 2839418 (VCV002839418.3), dbSNP rs1583345706, ClinGen allele CA366743204.

ClinVar aggregate classification (germline): Uncertain significance (1 of 4 stars; one submission).

Conditions:
Hereditary nonpolyposis colorectal neoplasms. Identifiers: MedGen C0009405, MeSH D003123.

Submission:

Labcorp Genetics (formerly Invitae), Labcorp
Classification: Uncertain significance for Hereditary nonpolyposis colorectal neoplasms. Last evaluated: 2023-02-21. Review status: criteria provided, single submitter. Criteria: Invitae Variant Classification Sherloc (09022015). Collection method: clinical testing. Allele origin: germline.
Comment: In summary, the available evidence is currently insufficient to determine the role of this variant in disease. Therefore, it has been classified as a Variant of Uncertain Significance. Advanced modeling of protein sequence and biophysical properties (such as structural, functional, and spatial information, amino acid conservation, physicochemical variation, residue mobility, and thermodynamic stability) performed at Invitae indicates that this missense variant is expected to disrupt PMS2 protein function. This variant has not been reported in the literature in individuals affected with PMS2-related conditions. This variant is not present in population databases (gnomAD no frequency). This sequence change replaces leucine, which is neutral and non-polar, with histidine, which is basic and polar, at codon 305 of the PMS2 protein (p.Leu305His).